The following is an entry in ClinVar:

NM_020166.5(MCCC1):c.1732-1G>T

Gene: MCCC1 (methylcrotonyl-CoA carboxylase subunit 1; minus strand). Cytogenetic location: 3q27.1.
Variant type: single nucleotide variant.
Coding change: c.1732-1G>T on transcript NM_020166.5 (MANE Select); the canonical splice acceptor site of the intron before coding-DNA position 1732, G replaced by T.
Molecular consequence: splice acceptor variant.
Genome position (GRCh38, 1-based): chr3:183,022,555, C>A on the plus strand (G>T on the coding strand, the complement: MCCC1 is on the minus strand). VCF-style: chr3-183022555-C-A. GRCh37 (hg19) VCF-style: chr3-182740343-C-A.
Other names: c.1405-1G>T (NM_001363880.1); c.1381-1G>T (NM_001293273.2).
Identifiers: ClinVar variation 858761 (VCV000858761.12), dbSNP rs763877330, ClinGen allele CA2718665.

ClinVar aggregate classification (germline): Likely pathogenic. Review status: criteria provided, multiple submitters, no conflicts (2 of 4 stars). 4 submissions from 4 submitters: Likely pathogenic (4). Last evaluated 2025-09-29.

Conditions:
3-methylcrotonyl-CoA carboxylase 1 deficiency (MCC1D). Also called: MCCD TYPE 1; METHYLCROTONYLGLYCINURIA TYPE I; MCC 1 deficiency; 3 Alpha methylcrotonylglycinuria 1. Identifiers: Orphanet 6, MedGen CN028786, MONDO:0008861, OMIM 210200.

Allele frequency attached by ClinVar (database versions not stated): ExAC below 0.00001; TOPMed 0.00001.
gnomAD v4.1: 1 of 1,608,934 alleles (0.000062%); highest among the groups gnomAD compares: Admixed American, 0.0017%; no homozygotes.

Submissions (5):

Labcorp Genetics (formerly Invitae), Labcorp
Classification: Likely pathogenic for 3-methylcrotonyl-CoA carboxylase 1 deficiency. Last evaluated: 2025-09-29. Review status: criteria provided, single submitter. Criteria: Invitae Variant Classification Sherloc (09022015). Collection method: clinical testing. Allele origin: germline.
Comment: This sequence change affects an acceptor splice site in intron 15 of the MCCC1 gene. It is expected to disrupt RNA splicing. Variants that disrupt the donor or acceptor splice site typically lead to a loss of protein function (PMID: 16199547), and loss-of-function variants in MCCC1 are known to be pathogenic (PMID: 11181649, 15359379, 22642865). This variant is not present in population databases (gnomAD no frequency). Disruption of this splice site has been observed in individual(s) with a positive newborn screening result for MCCC1-related disease (internal data). ClinVar contains an entry for this variant (Variation ID: 858761). Algorithms developed to predict the effect of sequence changes on RNA splicing suggest that this variant may disrupt the consensus splice site. In summary, the currently available evidence indicates that the variant is pathogenic, but additional data are needed to prove that conclusively. Therefore, this variant has been classified as Likely Pathogenic.

Dasa
Classification: Likely pathogenic. Last evaluated: 2025-04-24. Review status: criteria provided, single submitter. Criteria: DASA Assertion Criteria. Collection method: clinical testing. Allele origin: germline.
Comment: NM_020166.5(MCCC1):c.1732-1G>T introduces a premature termination codon predicted to result in loss of normal protein function. Loss-of-function is an established mechanism of disease for this gene. This variant has been observed in affected individuals with related phenotype in a genotype context consistent with recessive disease. The variant is present at low frequency in population datasets. Based on the available data, this variant is classified as likely pathogenic.

Fulgent Genetics
Classification: Likely pathogenic for 3-methylcrotonyl-CoA carboxylase 1 deficiency. Last evaluated: 2024-03-12. Review status: criteria provided, single submitter. Criteria: ACMG Guidelines, 2015. Collection method: clinical testing. Allele origin: germline.

Laboratorio de Genetica e Diagnostico Molecular, Hospital Israelita Albert Einstein
Classification: Likely pathogenic for 3-methylcrotonyl-CoA carboxylase 1 deficiency. Last evaluated: 2022-03-08. Review status: criteria provided, single submitter. Criteria: ACMG Guidelines, 2015. Collection method: clinical testing. Allele origin: germline. Affected: yes.
Comment: ACMG classification criteria: PVS1 strong, PM2

Dr. Peter K. Rogan Lab, Western University
No classification provided (evidence only). Condition: Cervical cancer. Review status: no classification provided. Collection method: in vitro. Allele origin: not applicable. Functional consequence: cryptic splice site. Not counted in ClinVar's aggregate classification.

Literature cited by the submitters: PubMed 16199547 (cited by Labcorp Genetics (formerly Invitae), Labcorp); PubMed 11181649 (cited by Labcorp Genetics (formerly Invitae), Labcorp); PubMed 15359379 (cited by Labcorp Genetics (formerly Invitae), Labcorp); PubMed 22642865 (cited by Labcorp Genetics (formerly Invitae), Labcorp).